The following is an entry in ClinVar:

NM_000785.4(CYP27B1):c.1517T>G (p.Leu506Trp)

Gene: CYP27B1 (cytochrome P450 family 27 subfamily B member 1; minus strand). Cytogenetic location: 12q14.1.
Variant type: single nucleotide variant.
Coding change: c.1517T>G on transcript NM_000785.4 (MANE Select); coding-DNA position 1517, T replaced by G.
Protein change: p.Leu506Trp; replaces leucine 506 with tryptophan.
Molecular consequence: missense variant.
Genome position (GRCh38, 1-based): chr12:57,763,152, A>C on the plus strand (T>G on the coding strand, the complement: CYP27B1 is on the minus strand). VCF-style: chr12-57763152-A-C. GRCh37 (hg19) VCF-style: chr12-58156935-A-C.
Other names: short protein forms L506W.
Identifiers: ClinVar variation 2099009 (VCV002099009.4), dbSNP rs2540914494, ClinGen allele CA385500088.

ClinVar aggregate classification (germline): Uncertain significance (1 of 4 stars; one submission).

Submission:

Labcorp Genetics (formerly Invitae), Labcorp
Classification: Uncertain significance. Last evaluated: 2022-02-18. Review status: criteria provided, single submitter. Criteria: Invitae Variant Classification Sherloc (09022015). Collection method: clinical testing. Allele origin: germline.
Comment: This sequence change replaces leucine, which is neutral and non-polar, with tryptophan, which is neutral and slightly polar, at codon 506 of the CYP27B1 protein (p.Leu506Trp). This variant is not present in population databases (gnomAD no frequency). This variant has not been reported in the literature in individuals affected with CYP27B1-related conditions. Advanced modeling of protein sequence and biophysical properties (such as structural, functional, and spatial information, amino acid conservation, physicochemical variation, residue mobility, and thermodynamic stability) performed at Invitae indicates that this missense variant is not expected to disrupt CYP27B1 protein function. In summary, the available evidence is currently insufficient to determine the role of this variant in disease. Therefore, it has been classified as a Variant of Uncertain Significance.